The following is an entry in ClinVar:

ClinVar aggregate classification (germline): Uncertain significance. Review status: criteria provided, multiple submitters, no conflicts (2 of 4 stars). 4 submissions from 4 submitters: Uncertain significance (4). Last evaluated 2026-08-14.

Conditions:
Cardiovascular phenotype. Identifiers: MedGen CN230736.
Dilated cardiomyopathy 1O (CMD1O). Also called: CARDIOMYOPATHY, DILATED, WITH VENTRICULAR TACHYCARDIA. Identifiers: Orphanet 154, MedGen C1837839, MONDO:0012062, OMIM 608569.

Allele frequency attached by ClinVar (database versions not stated): gnomAD exomes below 0.00001 and 0.00001; ExAC 0.00002.
gnomAD v4.1: 6 of 1,613,956 alleles (0.00037%); highest among the groups gnomAD compares: Non-Finnish European, 0.00051%; no homozygotes.

Submissions (4):

Ambry Genetics
Classification: Uncertain significance for Cardiovascular phenotype. Last evaluated: 2026-08-14. Review status: criteria provided, single submitter. Criteria: Ambry Variant Classification Scheme 2023. Collection method: clinical testing. Allele origin: germline.
Comment: The p.R97W variant (also known as c.289C>T), located in coding exon 3 of the ABCC9 gene, results from a C to T substitution at nucleotide position 289. The arginine at codon 97 is replaced by tryptophan, an amino acid with dissimilar properties. This variant was reported in individual(s) with features consistent with left ventricular non-compaction (LVNC) (Mazzarotto F et al. Genet Med, 2021 May;23:856-864). This amino acid position is not well conserved in available vertebrate species. In addition, the in silico prediction for this alteration is inconclusive. Based on the available evidence, the clinical significance of this variant remains unclear.

Labcorp Genetics (formerly Invitae), Labcorp
Classification: Uncertain significance for Dilated cardiomyopathy 1O. Last evaluated: 2025-05-04. Review status: criteria provided, single submitter. Criteria: Invitae Variant Classification Sherloc (09022015). Collection method: clinical testing. Allele origin: germline.
Comment: This sequence change replaces arginine, which is basic and polar, with tryptophan, which is neutral and slightly polar, at codon 97 of the ABCC9 protein (p.Arg97Trp). This variant is present in population databases (rs727502875, gnomAD 0.002%). This missense change has been observed in individual(s) with features of left ventricular noncompaction (PMID: 33500567). ClinVar contains an entry for this variant (Variation ID: 162696). Invitae Evidence Modeling of protein sequence and biophysical properties (such as structural, functional, and spatial information, amino acid conservation, physicochemical variation, residue mobility, and thermodynamic stability) indicates that this missense variant is not expected to disrupt ABCC9 protein function with a negative predictive value of 95%. In summary, the available evidence is currently insufficient to determine the role of this variant in disease. Therefore, it has been classified as a Variant of Uncertain Significance.

GeneDx
Classification: Uncertain significance. Last evaluated: 2016-07-14. Review status: criteria provided, single submitter. Criteria: GeneDx Variant Classification (06012015). Collection method: clinical testing. Allele origin: germline. Affected: yes.
Comment: A variant of uncertain significance has been identified in the ABCC9 gene. The R97W variant has not been publishedas a pathogenic variant, nor has it been reported as a benign variant to our knowledge. However, this variant has beenclassified in ClinVar as a variant of uncertain significance by an outside laboratory (ClinVar SCV000196967.3;Landrum et al., 2016). Nevertheless, the R97W variant was not observed in approximately 6,500 individuals ofEuropean and African American ancestry in the NHLBI Exome Sequencing Project, indicating it is not a commonbenign variant in these populations. The R97W variant is a non-conservative amino acid substitution, which is likelyto impact secondary protein structure as these residues differ in polarity, charge, size and/or other properties. However,this substitution occurs at a position within the extracellular topological domain that is not conserved across species.Furthermore, in silico analysis is inconsistent in its predictions as to whether or not the variant is damaging to theprotein structure/function.Therefore, based on the currently available information, it is unclear whether this variant is pathogenic or benign.

Laboratory for Molecular Medicine, Mass General Brigham Personalized Medicine
Classification: Uncertain significance. Last evaluated: 2013-04-26. Review status: criteria provided, single submitter. Criteria: LMM Criteria. Collection method: clinical testing. Allele origin: germline. Observed: 1 variant allele.
Comment: The Arg97Trp variant in ABCC9 has not been reported in individuals with cardiomy opathy or in large population studies. The affected amino acid is not well conse rved in evolution, suggesting that a change may be tolerated. Other computationa l analyses (biochemical amino acid properties, AlignGVGD, PolyPhen2, and SIFT) d o not provide strong support for or against an impact to the protein. At this ti me, additional information is needed to fully assess the clinical significance o f this variant.

Literature cited by the submitters: PubMed 33500567 (cited by Ambry Genetics and Labcorp Genetics (formerly Invitae), Labcorp).

NM_020297.4(ABCC9):c.289C>T (p.Arg97Trp)

Gene: ABCC9 (ATP binding cassette subfamily C member 9; minus strand). Cytogenetic location: 12p12.1.
Variant type: single nucleotide variant.
Coding change: c.289C>T on transcript NM_020297.4 (MANE Select); coding-DNA position 289, C replaced by T.
Protein change: p.Arg97Trp; replaces arginine 97 with tryptophan.
Molecular consequence: missense variant. On other transcripts: 5 prime UTR variant (1).
Genome position (GRCh38, 1-based): chr12:21,926,059, G>A on the plus strand (C>T on the coding strand, the complement: ABCC9 is on the minus strand). VCF-style: chr12-21926059-G-A. GRCh37 (hg19) VCF-style: chr12-22078993-G-A.
Other names: c.289C>T, p.Arg97Trp (NM_001377273.1, NM_005691.4); c.-166C>T (NM_001377274.1); short protein forms R97W.
Identifiers: ClinVar variation 162696 (VCV000162696.14), dbSNP rs727502875, ClinGen allele CA175160.